The following is an entry in ClinVar:

ClinVar aggregate classification (germline): Benign/Likely benign. Review status: criteria provided, multiple submitters, no conflicts (2 of 4 stars). 7 submissions from 7 submitters: Benign (1); Likely benign (6). Last evaluated 2026-02-03.

Conditions:
Hereditary cancer-predisposing syndrome. Also called: Neoplastic Syndromes, Hereditary; Hereditary Cancer Syndrome; Tumor predisposition; Hereditary neoplastic syndrome. Identifiers: Orphanet 140162, MedGen C0027672, MeSH D009386, MONDO:0015356.
Familial cancer of breast. Also called: hereditary breast carcinoma; Hereditary breast cancer; BREAST CANCER, FAMILIAL. Identifiers: Orphanet 227535, MedGen C0346153, MONDO:0016419, OMIM 114480. Disease mechanism: loss of function.
Ataxia-telangiectasia syndrome (AT). Also called: LOUIS-BAR SYNDROME; Ataxia-telangiectasia, complementation group D; AT, COMPLEMENTATION GROUP C; Ataxia-telangiectasia, complementation group E; Ataxia telangiectasia (A-T); Cerebello-oculocutaneous telangiectasia. Identifiers: Orphanet 100, MedGen C0004135, MONDO:0008840, OMIM 208900.

Allele frequency attached by ClinVar (database versions not stated): gnomAD exomes below 0.00001 and 0.00001; gnomAD 0.00001.
gnomAD v4.1: 5 of 1,613,680 alleles (0.00031%); highest among the groups gnomAD compares: Admixed American, 0.0067%; no homozygotes.

Submissions (7):

Labcorp Genetics (formerly Invitae), Labcorp
Classification: Likely benign for Ataxia-telangiectasia syndrome. Last evaluated: 2026-02-03. Review status: criteria provided, single submitter. Criteria: Invitae Variant Classification Sherloc (09022015). Collection method: clinical testing. Allele origin: germline.

Hereditary Cancer Laboratory, Hospital Universitario 12 de Octubre
Classification: Likely benign for Hereditary cancer-predisposing syndrome. Last evaluated: 2024-10-16. Review status: criteria provided, single submitter. Criteria: ACMG Guidelines, 2015. Collection method: clinical testing. Allele origin: germline.
Comment: PM2+BP4+BP6+BP7

Myriad Genetics, Inc.
Classification: Benign for Familial cancer of breast. Last evaluated: 2024-05-13. Review status: criteria provided, single submitter. Criteria: Myriad Autosomal Dominant, Autosomal Recessive and X-Linked Classification Criteria (2023). Collection method: clinical testing. Allele origin: unknown.
Comment: This variant is considered benign. This variant is a silent/synonymous amino acid change and it is not expected to impact splicing.

Blueprint Genetics
Classification: Likely benign. Last evaluated: 2023-10-23. Review status: criteria provided, single submitter. Criteria: ACMG Guidelines, 2015. Collection method: clinical testing. Allele origin: germline.

Sema4
Classification: Likely benign for Hereditary cancer-predisposing syndrome. Last evaluated: 2021-09-24. Review status: criteria provided, single submitter. Criteria: Sema4 Curation Guidelines. Collection method: curation. Allele origin: germline.

Color Diagnostics, LLC DBA Color Health
Classification: Likely benign for Hereditary cancer-predisposing syndrome. Last evaluated: 2017-03-08. Review status: criteria provided, single submitter. Criteria: ACMG Guidelines, 2015. Collection method: clinical testing. Allele origin: germline.

Ambry Genetics
Classification: Likely benign for Hereditary cancer-predisposing syndrome. Last evaluated: 2015-09-21. Review status: criteria provided, single submitter. Criteria: Ambry Variant Classification Scheme 2023. Collection method: clinical testing. Allele origin: germline.

NM_000051.4(ATM):c.3030C>T (p.Asn1010=)

Gene: ATM (ATM serine/threonine kinase; plus strand). Cytogenetic location: 11q22.3.
Variant type: single nucleotide variant.
Coding change: c.3030C>T on transcript NM_000051.4 (MANE Select); coding-DNA position 3030, C replaced by T.
Protein change: p.Asn1010=; no amino-acid change (asparagine 1010 retained).
Molecular consequence: synonymous variant.
Genome position (GRCh38, 1-based): chr11:108,271,359, C>T. VCF-style: chr11-108271359-C-T. GRCh37 (hg19) VCF-style: chr11-108142086-C-T.
Other names: c.3030C>T, p.Asn1010= (NM_001351834.2).
Identifiers: ClinVar variation 234192 (VCV000234192.22), dbSNP rs876660913, ClinGen allele CA10579080.
Genomic context (GRCh38, chr11:108,271,359, plus strand): 5'-TTTAAACCATGTCCTTCATGTAGTGAAAAACCTAGGTCAAAGCAATATGGACTCTGAGAA[C>T]ACAAGGGATGCTCAAGGACAGTTTCTTACAGTAATTGGAGCATTTTGGTAGGTACAGTCT-3'
Protein context (NP_000042.3, residues 1000-1020): NLGQSNMDSE[Asn1010=]TRDAQGQFLT